The following is an entry in ClinVar:

NM_001042472.3(ABHD12):c.429C>T (p.Thr143=)

Gene: ABHD12 (abhydrolase domain containing 12, lysophospholipase; minus strand). Cytogenetic location: 20p11.21.
Variant type: single nucleotide variant.
Coding change: c.429C>T on transcript NM_001042472.3 (MANE Select); coding-DNA position 429, C replaced by T.
Protein change: p.Thr143=; no amino-acid change (threonine 143 retained).
Molecular consequence: synonymous variant.
Genome position (GRCh38, 1-based): chr20:25,320,312, G>A on the plus strand (C>T on the coding strand, the complement: ABHD12 is on the minus strand). VCF-style: chr20-25320312-G-A. GRCh37 (hg19) VCF-style: chr20-25300948-G-A.
Other names: c.429C>T, p.Thr143= (NM_015600.5).
Identifiers: ClinVar variation 3041038 (VCV003041038.2), dbSNP rs1172650892, ClinGen allele CA509893044.

ClinVar aggregate classification (germline): Likely benign (0 of 4 stars; one submission).

Conditions:
ABHD12-related disorder. Also called: ABHD12-related condition.

Allele frequency attached by ClinVar (database versions not stated): gnomAD exomes below 0.00001; TOPMed below 0.00001; gnomAD 0.00001.
gnomAD v4.1: 8 of 1,613,654 alleles (0.0005%); highest among the groups gnomAD compares: African/African-American, 0.0013%; no homozygotes.

Submission:

PreventionGenetics, part of Exact Sciences
Classification: Likely benign for ABHD12-related condition. Last evaluated: 2023-12-07. Review status: no assertion criteria provided. Collection method: clinical testing. Allele origin: germline.
Comment: This variant is classified as likely benign based on ACMG/AMP sequence variant interpretation guidelines (Richards et al. 2015 PMID: 25741868, with internal and published modifications).